The following is an entry in ClinVar:

ClinVar aggregate classification (germline): Uncertain significance. Review status: criteria provided, multiple submitters, no conflicts (2 of 4 stars). 2 submissions from 2 submitters: Uncertain significance (2). Last evaluated 2025-08-03.

Allele frequency attached by ClinVar (database versions not stated): gnomAD exomes 0.00002 and 0.00005; ExAC 0.00008; TOPMed 0.00026; gnomAD 0.00031; 1000 Genomes Project 0.00060; 1000 Genomes Project 30x 0.00078.
gnomAD v4.1: 71 of 1,603,292 alleles (0.0044%); highest among the groups gnomAD compares: African/African-American, 0.089%; no homozygotes.

Submissions (2):

Ambry Genetics
Classification: Uncertain significance. Last evaluated: 2025-08-03. Review status: criteria provided, single submitter. Criteria: Ambry Variant Classification Scheme 2023. Collection method: clinical testing. Allele origin: germline.

GeneDx
Classification: Uncertain significance. Last evaluated: 2019-11-20. Review status: criteria provided, single submitter. Criteria: GeneDx Variant Classification Process June 2021. Collection method: clinical testing. Allele origin: germline. Affected: yes.
Comment: In silico analysis, which includes protein predictors and evolutionary conservation, supports that this variant does not alter protein structure/function; Has not been previously published as pathogenic or benign to our knowledge; Variants in candidate genes are classified as variants of uncertain significance in accordance with ACMG guidelines (Richards et al., 2015)

NM_001372106.1(DNAH10):c.12124G>C (p.Glu4042Gln)

Genes: DNAH10 (dynein axonemal heavy chain 10; plus strand), DNAH10OS (dynein axonemal heavy chain 10 opposite strand; minus strand). Cytogenetic location: 12q24.31.
Variant type: single nucleotide variant.
Coding change: c.12124G>C on transcript NM_001372106.1 (MANE Select); coding-DNA position 12124, G replaced by C.
Protein change: p.Glu4042Gln; replaces glutamic acid 4042 with glutamine.
Molecular consequence: missense variant.
Genome position (GRCh38, 1-based): chr12:123,928,405, G>C. VCF-style: chr12-123928405-G-C. GRCh37 (hg19) VCF-style: chr12-124412952-G-C.
Other names: c.11770G>C, p.Glu3924Gln (NM_207437.3); short protein forms E3924Q, E4042Q.
Identifiers: ClinVar variation 1331109 (VCV001331109.3), dbSNP rs552798194, ClinGen allele CA6865849.
Genomic context (GRCh38, chr12:123,928,405, plus strand): 5'-TTGGATGCCAACCCCTCTCCTCTTCCCTCTCCCCCGGCGCAGGTGGCCCTGCAGCTGCTG[G>C]AGACGGCGGTGGCTCGGGGGCAGTGGCTGATGCTGCAGAACTGCCACCTCCTGGTCAAGT-3'
Protein context (NP_001359035.1, residues 4032-4052): GQEKVALQLL[Glu4042Gln]TAVARGQWLM